The following is an entry in ClinVar:

ClinVar aggregate classification (germline): Benign. Review status: criteria provided, single submitter (1 of 4 stars). 2 submissions from 2 submitters: Benign (1). 1 of the submissions does not count toward it. Last evaluated 2018-06-26.

Conditions:
SRGAP3-related disorder. Also called: SRGAP3-related condition.

Allele frequency attached by ClinVar (database versions not stated): gnomAD exomes 0.00021 and 0.00055; ExAC 0.00070; gnomAD 0.00230 and 0.00246; ESP Exome Variant Server 0.00246; TOPMed 0.00256; 1000 Genomes Project 0.00300; 1000 Genomes Project 30x 0.00328.
gnomAD v4.1: 657 of 1,614,220 alleles (0.041%); highest among the groups gnomAD compares: African/African-American, 0.79%; no homozygotes.

Submissions (2):

Labcorp Genetics (formerly Invitae), Labcorp
Classification: Benign. Last evaluated: 2018-06-26. Review status: criteria provided, single submitter. Criteria: Invitae Variant Classification Sherloc (09022015). Collection method: clinical testing. Allele origin: germline.

PreventionGenetics, part of Exact Sciences
Classification: Benign for SRGAP3-related condition. Last evaluated: 2019-10-28. Review status: no assertion criteria provided. Collection method: clinical testing. Allele origin: germline. Not counted in ClinVar's aggregate classification.
Comment: This variant is classified as benign based on ACMG/AMP sequence variant interpretation guidelines (Richards et al. 2015 PMID: 25741868, with internal and published modifications).

NM_014850.4(SRGAP3):c.2376C>T (p.Leu792=)

Gene: SRGAP3 (SLIT-ROBO Rho GTPase activating protein 3; minus strand). Cytogenetic location: 3p25.3.
Variant type: single nucleotide variant.
Coding change: c.2376C>T on transcript NM_014850.4 (MANE Select); coding-DNA position 2376, C replaced by T.
Protein change: p.Leu792=; no amino-acid change (leucine 792 retained).
Molecular consequence: synonymous variant.
Genome position (GRCh38, 1-based): chr3:8,994,375, G>A on the plus strand (C>T on the coding strand, the complement: SRGAP3 is on the minus strand). VCF-style: chr3-8994375-G-A. GRCh37 (hg19) VCF-style: chr3-9036059-G-A.
Other names: c.2304C>T, p.Leu768= (NM_001033117.3).
Identifiers: ClinVar variation 714171 (VCV000714171.5), dbSNP rs116480276, ClinGen allele CA2237500.